The following is an entry in ClinVar:

NM_001079520.2(DACT1):c.260G>T (p.Gly87Val)

Genes: DACT1 (dishevelled binding antagonist of beta catenin 1; plus strand), LOC130055736 (ATAC-STARR-seq lymphoblastoid silent region 5801; plus strand). Cytogenetic location: 14q23.1.
Variant type: single nucleotide variant.
Coding change: c.260G>T on transcript NM_001079520.2 (MANE Select); coding-DNA position 260, G replaced by T.
Protein change: p.Gly87Val; replaces glycine 87 with valine.
Molecular consequence: missense variant.
Genome position (GRCh38, 1-based): chr14:58,638,462, G>T. VCF-style: chr14-58638462-G-T. GRCh37 (hg19) VCF-style: chr14-59105180-G-T.
Other names: c.260G>T, p.Gly87Val (NM_016651.6); short protein forms G87V.
Identifiers: ClinVar variation 717000 (VCV000717000.7), dbSNP rs199649683, ClinGen allele CA7206516.

ClinVar aggregate classification (germline): Benign. Review status: criteria provided, multiple submitters, no conflicts (2 of 4 stars). 3 submissions from 3 submitters: Benign (2). 1 of the submissions does not count toward it. Last evaluated 2019-12-31.

Conditions:
DACT1-related disorder. Also called: DACT1-related condition.

Allele frequency attached by ClinVar (database versions not stated): gnomAD exomes 0.00056; ExAC 0.00099; ESP Exome Variant Server 0.00121; gnomAD 0.00211 and 0.00230; 1000 Genomes Project 0.00240; TOPMed 0.00256; 1000 Genomes Project 30x 0.00281.
gnomAD v4.1: 521 of 1,357,976 alleles (0.038%); highest among the groups gnomAD compares: African/African-American, 0.69%; 2 homozygotes.

Submissions (3):

Labcorp Genetics (formerly Invitae), Labcorp
Classification: Benign. Last evaluated: 2019-12-31. Review status: criteria provided, single submitter. Criteria: Invitae Variant Classification Sherloc (09022015). Collection method: clinical testing. Allele origin: germline.

Breakthrough Genomics
Classification: Benign. Review status: criteria provided, single submitter. Criteria: ACMG Guidelines, 2015. Collection method: not provided. Allele origin: germline. Inheritance: Autosomal dominant inheritance. Affected: yes.

PreventionGenetics, part of Exact Sciences
Classification: Likely benign for DACT1-related condition. Last evaluated: 2019-04-16. Review status: no assertion criteria provided. Collection method: clinical testing. Allele origin: germline. Not counted in ClinVar's aggregate classification.
Comment: This variant is classified as likely benign based on ACMG/AMP sequence variant interpretation guidelines (Richards et al. 2015 PMID: 25741868, with internal and published modifications).